The following is an entry in ClinVar:

NM_000264.5(PTCH1):c.3169-5T>C

Gene: PTCH1 (patched 1; minus strand). Cytogenetic location: 9q22.32.
Variant type: single nucleotide variant.
Coding change: c.3169-5T>C on transcript NM_000264.5 (MANE Select); 5 bases into the intron before coding-DNA position 3169, T replaced by C.
Molecular consequence: intron variant.
Genome position (GRCh38, 1-based): chr9:95,456,418, A>G on the plus strand (T>C on the coding strand, the complement: PTCH1 is on the minus strand). VCF-style: chr9-95456418-A-G. GRCh37 (hg19) VCF-style: chr9-98218700-A-G.
Other names: c.3166-5T>C (NM_001083603.3); c.2971-5T>C (NM_001083602.3); c.3013-5T>C (NM_001354918.2); c.2716-5T>C (NM_001083605.3, NM_001083604.3, NM_001083606.3 and 1 more transcripts); c.3169-5T>C (NM_000264.4).
Identifiers: ClinVar variation 220012 (VCV000220012.47), dbSNP rs367654039, ClinGen allele CA348274.
Genomic context (GRCh38, chr9:95,456,418, plus strand): 5'-CCGATGAGGCCCATCATGCCGAACAGCTCGACCGTCATCAGCGCCAGGACCATCACCTGG[A>G]GCAGGGCACACAGTGGTCAGTGGGCGGGCAGGTCACCCTCTGGGGCTGCCCACAAGGGAG-3'

ClinVar aggregate classification (germline): Benign/Likely benign. Review status: criteria provided, multiple submitters, no conflicts (2 of 4 stars). 7 submissions from 7 submitters: Benign (3); Likely benign (4). Last evaluated 2026-02-01.

Conditions:
Basal cell nevus syndrome 1 (BCNS1). Also called: GORLIN-GOLTZ SYNDROME; MULTIPLE BASAL CELL NEVI, ODONTOGENIC KERATOCYSTS, AND SKELETAL ANOMALIES. Identifiers: MedGen CN376810, MONDO:0958174, OMIM 109400.
Hereditary cancer-predisposing syndrome. Also called: Neoplastic Syndromes, Hereditary; Hereditary Cancer Syndrome; Tumor predisposition; Hereditary neoplastic syndrome. Identifiers: Orphanet 140162, MedGen C0027672, MeSH D009386, MONDO:0015356.
Gorlin syndrome. Also called: Nevoid Basal Cell Carcinoma Syndrome; Basal cell nevus syndrome. Identifiers: Orphanet 377, MedGen C0004779, MONDO:0007187.

Allele frequency attached by ClinVar (database versions not stated): gnomAD 0.00001 and 0.00007; TOPMed 0.00004; ExAC 0.00061; 1000 Genomes Project 30x 0.00094; 1000 Genomes Project 0.00100; gnomAD exomes 0.00025 and 0.00048.
gnomAD v4.1: 367 of 1,613,642 alleles (0.023%); highest among the groups gnomAD compares: South Asian, 0.34%; 4 homozygotes.

Submissions (7):

CeGaT Center for Human Genetics Tuebingen
Classification: Likely benign. Last evaluated: 2026-02-01. Review status: criteria provided, single submitter. Criteria: CeGaT Center For Human Genetics Tuebingen Variant Classification Criteria Version 2. Collection method: clinical testing. Allele origin: germline. Affected: yes. Observed: 3 variant alleles.
Comment: PTCH1: BP4, BS1

Labcorp Genetics (formerly Invitae), Labcorp
Classification: Benign for Gorlin syndrome. Last evaluated: 2025-12-26. Review status: criteria provided, single submitter. Criteria: Invitae Variant Classification Sherloc (09022015). Collection method: clinical testing. Allele origin: germline.

KCCC/NGS Laboratory, Kuwait Cancer Control Center
Classification: Benign for Basal cell nevus syndrome 1. Last evaluated: 2025-02-01. Review status: criteria provided, single submitter. Criteria: ACMG Guidelines, 2015. Collection method: clinical testing. Allele origin: germline. Affected: no.

Blueprint Genetics
Classification: Likely benign. Last evaluated: 2024-09-15. Review status: criteria provided, single submitter. Criteria: ACMG Guidelines, 2015. Collection method: clinical testing. Allele origin: germline.

Quest Diagnostics Nichols Institute San Juan Capistrano
Classification: Benign. Last evaluated: 2022-03-11. Review status: criteria provided, single submitter. Criteria: Quest Diagnostics criteria. Collection method: clinical testing. Allele origin: unknown.

GeneDx
Classification: Likely benign. Last evaluated: 2020-09-15. Review status: criteria provided, single submitter. Criteria: GeneDx Variant Classification Process June 2021. Collection method: clinical testing. Allele origin: germline. Affected: yes.

Ambry Genetics
Classification: Likely benign for Hereditary cancer-predisposing syndrome. Last evaluated: 2019-03-26. Review status: criteria provided, single submitter. Criteria: Ambry Variant Classification Scheme 2023. Collection method: clinical testing. Allele origin: germline.